The following is an entry in ClinVar:

ClinVar aggregate classification (germline): Uncertain significance (1 of 4 stars; one submission).

Submission:

CeGaT Center for Human Genetics Tuebingen
Classification: Uncertain significance. Last evaluated: 2024-09-01. Review status: criteria provided, single submitter. Criteria: CeGaT Center For Human Genetics Tuebingen Variant Classification Criteria Version 2. Collection method: clinical testing. Allele origin: germline. Affected: yes. Observed: 1 variant allele.
Comment: SAMD9: PM2, PS2:Supporting, BP4

NM_017654.4(SAMD9):c.899C>A (p.Ser300Tyr)

Gene: SAMD9 (sterile alpha motif domain containing 9; minus strand). Cytogenetic location: 7q21.2.
Variant type: single nucleotide variant.
Coding change: c.899C>A on transcript NM_017654.4 (MANE Select); coding-DNA position 899, C replaced by A.
Protein change: p.Ser300Tyr; replaces serine 300 with tyrosine.
Molecular consequence: missense variant.
Genome position (GRCh38, 1-based): chr7:93,105,199, G>T on the plus strand (C>A on the coding strand, the complement: SAMD9 is on the minus strand). VCF-style: chr7-93105199-G-T. GRCh37 (hg19) VCF-style: chr7-92734512-G-T.
Other names: c.899C>A, p.Ser300Tyr (NM_001193307.2); short protein forms S300Y.
Identifiers: ClinVar variation 3389540 (VCV003389540.14).